The following is an entry in ClinVar:

ClinVar aggregate classification (germline): Conflicting classifications of pathogenicity. Review status: criteria provided, conflicting classifications (1 of 4 stars). 2 submissions from 2 submitters: Uncertain significance (1); Likely benign (1). Last evaluated 2024-10-17.

Conditions:
Generalized epilepsy with febrile seizures plus, type 7 (GEFSP7). Also called: GEFS+, TYPE 7. Identifiers: Orphanet 36387, MedGen C2751778, MONDO:0013470, OMIM 613863.
Neuropathy, hereditary sensory and autonomic, type 2A (HSAN2A). Also called: NEUROPATHY, CONGENITAL SENSORY; NEUROPATHY, HEREDITARY SENSORY RADICULAR, AUTOSOMAL RECESSIVE; NEUROPATHY, HEREDITARY SENSORY, TYPE IIA; NEUROPATHY, PROGRESSIVE SENSORY, OF CHILDREN; HSAN IIA; MORVAN DISEASE. Identifiers: Orphanet 970, MedGen C2752089, MONDO:0024309, OMIM 201300.

Allele frequency attached by ClinVar (database versions not stated): gnomAD 0.00001; TOPMed 0.00001; 1000 Genomes Project 30x 0.00016; 1000 Genomes Project 0.00020.
gnomAD v4.1: 18 of 1,613,720 alleles (0.0011%); highest among the groups gnomAD compares: East Asian, 0.04%; no homozygotes.

Submissions (2):

Labcorp Genetics (formerly Invitae), Labcorp
Classification: Likely benign for Neuropathy, hereditary sensory and autonomic, type 2A; Generalized epilepsy with febrile seizures plus, type 7. Last evaluated: 2024-10-17. Review status: criteria provided, single submitter. Criteria: Invitae Variant Classification Sherloc (09022015). Collection method: clinical testing. Allele origin: germline.

GeneDx
Classification: Uncertain significance. Last evaluated: 2017-07-19. Review status: criteria provided, single submitter. Criteria: GeneDx Variant Classification (06012015). Collection method: clinical testing. Allele origin: germline. Affected: yes.
Comment: A variant of uncertain significance has been identified in the SCN9A gene. The I1326L variant has not been published as a pathogenic variant, nor has it been reported as a benign variant to our knowledge. The I1326L variant is observed in 8/8628 (0.1%) alleles from individuals of East Asian background, including one homozygous individual in the ExAC dataset (Lek et al., 2016; 1000 Genomes Consortium et al., 2015; Exome Variant Server). The I1326L variant is a conservative amino acid substitution, which is not likely to impact secondary protein structure as these residues share similar properties. However, this substitution alters a conserved residue predicted to be within the transmembrane segment S5 of the third homologous domain. In silico analysis is inconsistent in its predictions as to whether or not the variant is damaging to the protein structure/function. Therefore, based on the currently available information, it is unclear whether this variant is a pathogenic variant or a rare benign variant.

NM_001365536.1(SCN9A):c.4009A>C (p.Ile1337Leu)

Genes: SCN9A (sodium voltage-gated channel alpha subunit 9; minus strand), SCN1A-AS1 (SCN1A and SCN9A antisense RNA 1; plus strand). Cytogenetic location: 2q24.3.
Variant type: single nucleotide variant.
Coding change: c.4009A>C on transcript NM_001365536.1 (MANE Select); coding-DNA position 4009, A replaced by C.
Protein change: p.Ile1337Leu; replaces isoleucine 1337 with leucine.
Molecular consequence: missense variant.
Genome position (GRCh38, 1-based): chr2:166,228,888, T>G on the plus strand (A>C on the coding strand, the complement: SCN9A is on the minus strand). VCF-style: chr2-166228888-T-G. GRCh37 (hg19) VCF-style: chr2-167085398-T-G.
Other names: c.3976A>C, p.Ile1326Leu (NM_002977.4); short protein forms I1326L, I1337L.
Identifiers: ClinVar variation 450353 (VCV000450353.12), dbSNP rs543167736, ClinGen allele CA1943964.
Genomic context (GRCh38, chr2:166,228,888, plus strand): 5'-ACCCATCTGTGGTGTTAATACACTCATAGAACTTGCCAGCAAACAAATTTACTCCCATGA[T>G]GCTGAATATCAGCCAGAATATAAGACACACAAGTAGCACATTCATGATGGAAGGAATTGC-3'
Protein context (NP_001352465.1, residues 1327-1347): VCLIFWLIFS[Ile1337Leu]MGVNLFAGKF